The following is an entry in ClinVar:

NM_001161403.3(LIMS2):c.655G>A (p.Val219Met)

Gene: LIMS2 (LIM zinc finger domain containing 2; minus strand). Cytogenetic location: 2q14.3.
Variant type: single nucleotide variant.
Coding change: c.655G>A on transcript NM_001161403.3 (MANE Select); coding-DNA position 655, G replaced by A.
Protein change: p.Val219Met; replaces valine 219 with methionine.
Molecular consequence: missense variant.
Genome position (GRCh38, 1-based): chr2:127,642,054, C>T on the plus strand (G>A on the coding strand, the complement: LIMS2 is on the minus strand). VCF-style: chr2-127642054-C-T. GRCh37 (hg19) VCF-style: chr2-128399629-C-T.
Other names: c.727G>A, p.Val243Met (NM_017980.5); c.721G>A, p.Val241Met (NM_001136037.4); c.640G>A, p.Val214Met (NM_001161404.2); c.199G>A, p.Val67Met (NM_001161405.1, NM_001256542.2); short protein forms V243M, V219M, V214M, V241M, V67M.
Identifiers: ClinVar variation 2879967 (VCV002879967.3), dbSNP rs774530383, ClinGen allele CA1862972.

ClinVar aggregate classification (germline): Uncertain significance (1 of 4 stars; one submission).

Conditions:
Autosomal recessive limb-girdle muscular dystrophy type 2W (MDRCMTT). Also called: Muscular dystrophy, autosomal recessive, with cardiomyopathy and triangular tongue; Muscular dystrophy, limb-girdle, type 2W. Identifiers: MedGen C4225192, MONDO:0014788, OMIM 616827.

Allele frequency attached by ClinVar (database versions not stated): gnomAD exomes below 0.00001; TOPMed below 0.00001; ExAC 0.00002; gnomAD 0.00003.
gnomAD v4.1: 7 of 1,610,970 alleles (0.00043%); highest among the groups gnomAD compares: African/African-American, 0.0053%; no homozygotes.

Submission:

Labcorp Genetics (formerly Invitae), Labcorp
Classification: Uncertain significance for Autosomal recessive limb-girdle muscular dystrophy type 2W. Last evaluated: 2024-03-16. Review status: criteria provided, single submitter. Criteria: Invitae Variant Classification Sherloc (09022015). Collection method: clinical testing. Allele origin: germline.
Comment: This sequence change replaces valine, which is neutral and non-polar, with methionine, which is neutral and non-polar, at codon 241 of the LIMS2 protein (p.Val241Met). This variant is present in population databases (rs774530383, gnomAD 0.009%). This variant has not been reported in the literature in individuals affected with LIMS2-related conditions. Advanced modeling of protein sequence and biophysical properties (such as structural, functional, and spatial information, amino acid conservation, physicochemical variation, residue mobility, and thermodynamic stability) has been performed at Invitae for this missense variant, however the output from this modeling did not meet the statistical confidence thresholds required to predict the impact of this variant on LIMS2 protein function. In summary, the available evidence is currently insufficient to determine the role of this variant in disease. Therefore, it has been classified as a Variant of Uncertain Significance.